The following is an entry in ClinVar:

NM_015311.3(OBSL1):c.2578C>T (p.Pro860Ser)

Gene: OBSL1 (obscurin like cytoskeletal adaptor 1; minus strand). Cytogenetic location: 2q35.
Variant type: single nucleotide variant.
Coding change: c.2578C>T on transcript NM_015311.3 (MANE Select); coding-DNA position 2578, C replaced by T.
Protein change: p.Pro860Ser; replaces proline 860 with serine.
Molecular consequence: missense variant.
Genome position (GRCh38, 1-based): chr2:219,563,457, G>A on the plus strand (C>T on the coding strand, the complement: OBSL1 is on the minus strand). VCF-style: chr2-219563457-G-A. GRCh37 (hg19) VCF-style: chr2-220428179-G-A.
Other names: c.2578C>T, p.Pro860Ser (NM_001173408.2, NM_001173431.2); short protein forms P860S.
Identifiers: ClinVar variation 717900 (VCV000717900.9), dbSNP rs117788171, ClinGen allele CA2131176.

ClinVar aggregate classification (germline): Benign/Likely benign. Review status: criteria provided, multiple submitters, no conflicts (2 of 4 stars). 3 submissions from 3 submitters: Benign (2); Likely benign (1). Last evaluated 2022-04-12.

Conditions:
3M syndrome 2. Also called: 3-M Syndrome, OBSL1-Related; THREE M SYNDROME 2. Identifiers: Orphanet 2616, MedGen C2752041, MONDO:0013039, OMIM 612921.

Allele frequency attached by ClinVar (database versions not stated): gnomAD 0.00052 and 0.00089; TOPMed 0.00087; 1000 Genomes Project 30x 0.00453; 1000 Genomes Project 0.00479.
gnomAD v4.1: 1,827 of 1,613,780 alleles (0.11%); highest among the groups gnomAD compares: East Asian, 3.6%; 38 homozygotes.

Submissions (3):

Fulgent Genetics
Classification: Likely benign for 3M syndrome 2. Last evaluated: 2022-04-12. Review status: criteria provided, single submitter. Criteria: ACMG Guidelines, 2015. Collection method: clinical testing. Allele origin: unknown.

Labcorp Genetics (formerly Invitae), Labcorp
Classification: Benign. Last evaluated: 2019-12-31. Review status: criteria provided, single submitter. Criteria: Invitae Variant Classification Sherloc (09022015). Collection method: clinical testing. Allele origin: germline.

Illumina Laboratory Services, Illumina
Classification: Benign for 3M syndrome 2. Last evaluated: 2017-04-27. Review status: criteria provided, single submitter. Criteria: ICSL Variant Classification Criteria 13 December 2019. Collection method: clinical testing. Allele origin: germline.
Comment: This variant was observed as part of a predisposition screen in an ostensibly healthy population. A literature search was performed for the gene, cDNA change, and amino acid change (where applicable). No publications were found based on this search. Allele frequency data from public databases was too high to be consistent with this variant causing disease. Therefore, this variant is classified as benign.